The following is an entry in ClinVar:

NM_000129.4(F13A1):c.235A>T (p.Arg79Ter)

Gene: F13A1 (coagulation factor XIII A chain; minus strand). Cytogenetic location: 6p25.1.
Variant type: single nucleotide variant.
Coding change: c.235A>T on transcript NM_000129.4 (MANE Select); coding-DNA position 235, A replaced by T.
Protein change: p.Arg79Ter; replaces arginine 79 with a stop codon.
Molecular consequence: nonsense.
Genome position (GRCh38, 1-based): chr6:6,305,435, T>A on the plus strand (A>T on the coding strand, the complement: F13A1 is on the minus strand). VCF-style: chr6-6305435-T-A. GRCh37 (hg19) VCF-style: chr6-6305668-T-A.
Other names: short protein forms R79*.
Identifiers: ClinVar variation 2572146 (VCV002572146.1), dbSNP rs2480385304, ClinGen allele CA362742171.

ClinVar aggregate classification (germline): Likely pathogenic (1 of 4 stars; one submission).

Conditions:
Factor XIII, A subunit, deficiency of. Also called: Factor XIII subunit A deficiency. Identifiers: Orphanet 331, MedGen C2750514, MONDO:0013187, OMIM 613225, HP:0040233.

Submission:

ISTH-SSC Genomics in Thrombosis and Hemostasis, KU Leuven, Center for Molecular and Vascular Biology
Classification: Likely pathogenic for Factor XIII, A subunit, deficiency of. Review status: criteria provided, single submitter. Criteria: ACMG Guidelines, 2015. Collection method: clinical testing. Allele origin: germline. Affected: yes. Observed: 1 homozygote.
Comment: Submitted to the GoldVariant database by Kathleen Freson, Center for Molecular and Vascular Biology